The following is an entry in ClinVar:

ClinVar aggregate classification (germline): Likely pathogenic (1 of 4 stars; one submission).

Conditions:
ABCB4-related disorder. Also called: ABCB4-related disorders; ABCB4-related condition.

Submission:

PreventionGenetics, part of Exact Sciences
Classification: Likely pathogenic for ABCB4-related condition. Last evaluated: 2026-06-09. Review status: criteria provided, single submitter. Criteria: ACMG Guidelines, 2015. Collection method: clinical testing. Allele origin: germline.
Comment: The ABCB4 c.2173C>T variant is predicted to result in premature protein termination (p.Gln725*). To our knowledge, this variant has not been reported in the literature or in a large population database (gnomAD), indicating this variant is rare. Nonsense variants in ABCB4 are expected to be pathogenic. This variant is interpreted as likely pathogenic.

NM_000443.4(ABCB4):c.2173C>T (p.Gln725Ter)

Gene: ABCB4 (ATP binding cassette subfamily B member 4; minus strand). Cytogenetic location: 7q21.12.
Variant type: single nucleotide variant.
Coding change: c.2173C>T on transcript NM_000443.4 (MANE Select); coding-DNA position 2173, C replaced by T.
Protein change: p.Gln725Ter; replaces glutamine 725 with a stop codon.
Molecular consequence: nonsense.
Genome position (GRCh38, 1-based): chr7:87,423,944, G>A on the plus strand (C>T on the coding strand, the complement: ABCB4 is on the minus strand). VCF-style: chr7-87423944-G-A. GRCh37 (hg19) VCF-style: chr7-87053260-G-A.
Other names: c.2173C>T, p.Gln725Ter (NM_018849.3, NM_018850.3); short protein forms Q725*.
Identifiers: ClinVar variation 4978106 (VCV004978106.1).
Genomic context (GRCh38, chr7:87,423,944, plus strand): 5'-TATGTGGTGTTTGCAAACTTACCGCTATGATCTCTGAGAATATGACTGAAAATGCCGGCT[G>A]AAGCCCCCCATTGGCAATGGCACATACTGTTCCCACGACAAAGTAGGGCCATTCTGTTTT-3'